The following is an entry in ClinVar:

ClinVar aggregate classification (germline): Uncertain significance (1 of 4 stars; one submission).

Submission:

GeneDx
Classification: Uncertain significance. Last evaluated: 2026-04-19. Review status: criteria provided, single submitter. Criteria: GeneDx Variant Classification Process June 2021. Collection method: clinical testing. Allele origin: germline.
Comment: Not observed at significant frequency in large population cohorts (gnomAD); In silico analysis supports that this missense variant has a deleterious effect on protein structure/function; Has not been previously published as pathogenic or benign to our knowledge

NM_014991.6(WDFY3):c.3850T>C (p.Tyr1284His)

Gene: WDFY3 (WD repeat and FYVE domain containing 3; minus strand). Cytogenetic location: 4q21.23.
Variant type: single nucleotide variant.
Coding change: c.3850T>C on transcript NM_014991.6 (MANE Select); coding-DNA position 3850, T replaced by C.
Protein change: p.Tyr1284His; replaces tyrosine 1284 with histidine.
Molecular consequence: missense variant.
Genome position (GRCh38, 1-based): chr4:84,787,533, A>G on the plus strand (T>C on the coding strand, the complement: WDFY3 is on the minus strand). VCF-style: chr4-84787533-A-G. GRCh37 (hg19) VCF-style: chr4-85708686-A-G.
Other names: short protein forms Y1284H.
Identifiers: ClinVar variation 5037203 (VCV005037203.1).